The following is an entry in ClinVar:

ClinVar aggregate classification (germline): Uncertain significance. Review status: criteria provided, multiple submitters, no conflicts (2 of 4 stars). 2 submissions from 2 submitters: Uncertain significance (2). Last evaluated 2023-10-02.

Conditions:
Malignant hyperthermia, susceptibility to, 1 (MHS1). Also called: Malignant hyperthermia suceptibility 1; Anesthesia related hyperthermia; Malignant hyperpyrexia; Fulminating hyperpyrexia; Pharmacogenic myopathy; RYR1-Related Malignant Hyperthermia Susceptibility. Identifiers: Orphanet 423, MedGen C2930980, MONDO:0007783, OMIM 145600.

Submissions (2):

All of Us Research Program, National Institutes of Health
Classification: Uncertain significance for Malignant hyperthermia, susceptibility to, 1. Last evaluated: 2023-10-02. Review status: criteria provided, single submitter. Criteria: ACMG Guidelines, 2015. Collection method: clinical testing. Allele origin: germline. Inheritance: Autosomal dominant inheritance. Observed: 1 variant allele, 1 heterozygote.
Comment: This variant causes the in-frame deletion of one amino acid in the RYR1 protein. To our knowledge, functional studies have not been reported for this variant. This variant has not been reported in individuals affected with RYR1-related disorders in the literature. This variant has not been identified in the general population by the Genome Aggregation Database (gnomAD). The available evidence is insufficient to determine the role of this variant in disease conclusively. Therefore, this variant is classified as a Variant of Uncertain Significance.

This study involves interpretation of variants in research participants for the purpose of population health screening. Participant phenotype was not available at the time of variant classification. Additional details can be found in publication PMID: 35346344, PMCID: PMC8962531

Color Diagnostics, LLC DBA Color Health
Classification: Uncertain significance for Malignant hyperthermia, susceptibility to, 1. Last evaluated: 2023-07-31. Review status: criteria provided, single submitter. Criteria: ACMG Guidelines, 2015. Collection method: clinical testing. Allele origin: germline.
Comment: This variant causes the in-frame deletion of one amino acid in the RYR1 protein. To our knowledge, functional studies have not been reported for this variant. This variant has not been reported in individuals affected with RYR1-related disorders in the literature. This variant has not been identified in the general population by the Genome Aggregation Database (gnomAD). The available evidence is insufficient to determine the role of this variant in disease conclusively. Therefore, this variant is classified as a Variant of Uncertain Significance.

NM_000540.3(RYR1):c.11077AAG[1] (p.Lys3694del)

Gene: RYR1 (ryanodine receptor 1; plus strand). Cytogenetic location: 19q13.2.
Variant type: Microsatellite.
Coding change: c.11077AAG[1] on transcript NM_000540.3 (MANE Select); one copy of the 3-base unit AAG starting at c.11077; the reference has two copies in a row; one copy, 3 bases deleted; also written c.11080_11082del.
Protein change: p.Lys3694del; deletes lysine 3694.
Molecular consequence: inframe deletion.
Genome position (GRCh38, 1-based): chr19:38,528,996-38,528,998, AAG deleted; deleting any 3 consecutive bases within chr19:38,528,991-38,528,998 gives the same sequence; the position shown is the placement nearest the transcript's 3' end. VCF-style (leftmost placement, unchanged base first): chr19-38528990-GAGA-G. GRCh37 (hg19) VCF-style: chr19-39019630-GAGA-G.
Other names: c.11080_11082del (NM_000540.3); c.11062AAG[1], p.Lys3689del (NM_001042723.2); short protein forms K3694del, K3689del.
Identifiers: ClinVar variation 2774224 (VCV002774224.3), dbSNP rs2514500109, ClinGen allele CA080168.